The following is an entry in ClinVar:

NM_001844.5(COL2A1):c.1439del (p.Gly480fs)

Gene: COL2A1 (collagen type II alpha 1 chain; minus strand). Cytogenetic location: 12q13.11.
Variant type: Deletion.
Coding change: c.1439del on transcript NM_001844.5 (MANE Select); coding-DNA position 1439, one base deleted (G; older notation c.1439delG).
Protein change: p.Gly480fs; shifts the reading frame from glycine 480.
Molecular consequence: frameshift variant.
Genome position (GRCh38, 1-based): chr12:47,986,424, C deleted on the plus strand (G on the coding strand, the reverse complement: COL2A1 is on the minus strand); the first of 3 consecutive C bases (chr12:47,986,424-47,986,426); deleting any one gives the same sequence. VCF-style (leftmost placement, unchanged base first): chr12-47986423-TC-T. GRCh37 (hg19) VCF-style: chr12-48380206-TC-T.
Other names: c.1232del, p.Gly411fs (NM_033150.3); short protein forms G411fs, G480fs.
Identifiers: ClinVar variation 2009526 (VCV002009526.4), dbSNP rs2540149264, ClinGen allele CA2580085510.

ClinVar aggregate classification (germline): Pathogenic (1 of 4 stars; one submission).

Submission:

Labcorp Genetics (formerly Invitae), Labcorp
Classification: Pathogenic. Last evaluated: 2022-12-05. Review status: criteria provided, single submitter. Criteria: Invitae Variant Classification Sherloc (09022015). Collection method: clinical testing. Allele origin: germline.
Comment: For these reasons, this variant has been classified as Pathogenic. This variant has not been reported in the literature in individuals affected with COL2A1-related conditions. This variant is not present in population databases (gnomAD no frequency). This sequence change creates a premature translational stop signal (p.Gly480Glufs*149) in the COL2A1 gene. It is expected to result in an absent or disrupted protein product. Loss-of-function variants in COL2A1 are known to be pathogenic (PMID: 20179744).

Literature cited by the submitters: PubMed 20179744.